The following is an entry in ClinVar:

NM_001363118.2(SLC52A2):c.60C>T (p.Gly20=)

Gene: SLC52A2 (solute carrier family 52 member 2; plus strand). Cytogenetic location: 8q24.3.
Variant type: single nucleotide variant.
Coding change: c.60C>T on transcript NM_001363118.2 (MANE Select); coding-DNA position 60, C replaced by T.
Protein change: p.Gly20=; no amino-acid change (glycine 20 retained).
Molecular consequence: synonymous variant.
Genome position (GRCh38, 1-based): chr8:144,359,353, C>T. VCF-style: chr8-144359353-C-T. GRCh37 (hg19) VCF-style: chr8-145583013-C-T.
Other names: c.60C>T, p.Gly20= (NM_001253815.2, NM_001253816.2, NM_001363120.2 and 3 more transcripts).
Identifiers: ClinVar variation 3693353 (VCV003693353.2).

ClinVar aggregate classification (germline): Uncertain significance (1 of 4 stars; one submission).

Conditions:
Brown-Vialetto-van Laere syndrome 2. Also called: Riboflavin transporter deficiency type 2; SPINOCEREBELLAR ATAXIA WITH BLINDNESS AND DEAFNESS 2. Identifiers: Orphanet 572543, Orphanet 97229, MedGen C3553538, MONDO:0013867, OMIM 614707.

Submission:

Labcorp Genetics (formerly Invitae), Labcorp
Classification: Uncertain significance for Brown-Vialetto-van Laere syndrome 2. Last evaluated: 2025-01-06. Review status: criteria provided, single submitter. Criteria: Invitae Variant Classification Sherloc (09022015). Collection method: clinical testing. Allele origin: germline.
Comment: This sequence change affects codon 20 of the SLC52A2 mRNA. It is a 'silent' change, meaning that it does not change the encoded amino acid sequence of the SLC52A2 protein. This variant is not present in population databases (gnomAD no frequency). This variant has not been reported in the literature in individuals affected with SLC52A2-related conditions. Algorithms developed to predict the effect of sequence changes on RNA splicing suggest that this variant may disrupt the consensus splice site. In summary, the available evidence is currently insufficient to determine the role of this variant in disease. Therefore, it has been classified as a Variant of Uncertain Significance.